The following is an entry in ClinVar:

NC_000023.10:g.(?_8667719)_(8700097_?)dup

Gene: ANOS1 (anosmin 1; minus strand). Cytogenetic location: Xp22.31.
Variant type: Duplication.
Identifiers: ClinVar variation 463524 (VCV000463524.2).

ClinVar aggregate classification (germline): Uncertain significance (1 of 4 stars; one submission).

Conditions:
Hypogonadotropic hypogonadism 1 with or without anosmia (HH1). Also called: HYPOGONADOTROPIC HYPOGONADISM AND ANOSMIA; HYPOGONADOTROPIC HYPOGONADISM 1 WITH ANOSMIA; Kallmann syndrome, type 1, X-linked; DYSPLASIA OLFACTOGENITALIS OF DE MORSIER; KAL1-Related GnRH Deficiency (Kallmann Syndrome 1; Kallmann Syndrome, X-Linked); Hypogonadotropic hypogonadism 1 with or without anosmia (Kallmann syndrome 1). Identifiers: Orphanet 478, MedGen C1563719, MONDO:0010635, OMIM 308700. Disease mechanism: loss of function.

Submission:

Labcorp Genetics (formerly Invitae), Labcorp
Classification: Uncertain significance for Kallmann syndrome 1. Last evaluated: 2018-09-06. Review status: criteria provided, single submitter. Criteria: Invitae Variant Classification Sherloc (09022015). Collection method: clinical testing. Allele origin: germline.
Comment: This variant is a gross duplication of the genomic region encompassing exons 1 -2 of the ANOS1 gene. The 5' end of this event is unknown as it extends beyond the assayed region for this gene and therefore may encompass additional genes. The 3' boundary is likely confined to intron 2 of the ANOS1 gene. A similar duplication encompassing the promoter and exons 1-2 of the ANOS1 gene has been reported to segregate with hypersomia, ectrodactyly and mild intellectually disability in a single family (PMID: 25339597). It is currently unknown if the duplication reported in the literature is the same duplication found in this patient. Experimental studies and prediction algorithms are not available for this specific variant, and the functional significance of the duplication is currently unknown. In summary, the exact genomic location of this variant is unknown and the impact of this duplication on ANOS1 protein function has not been established. Therefore, it has been classified as a Variant of Uncertain Significance.

Literature cited by the submitters: PubMed 25339597.